The following is an entry in ClinVar:

NM_006031.6(PCNT):c.902A>G (p.His301Arg)

Gene: PCNT (pericentrin; plus strand). Cytogenetic location: 21q22.3.
Variant type: single nucleotide variant.
Coding change: c.902A>G on transcript NM_006031.6 (MANE Select); coding-DNA position 902, A replaced by G.
Protein change: p.His301Arg; replaces histidine 301 with arginine.
Molecular consequence: missense variant.
Genome position (GRCh38, 1-based): chr21:46,346,924, A>G. VCF-style: chr21-46346924-A-G. GRCh37 (hg19) VCF-style: chr21-47766838-A-G.
Other names: c.548A>G, p.His183Arg (NM_001315529.2); short protein forms H183R, H301R.
Identifiers: ClinVar variation 3352334 (VCV003352334.1).

ClinVar aggregate classification (germline): Uncertain significance (0 of 4 stars; one submission).

Conditions:
PCNT-related disorder. Also called: PCNT-related condition.

gnomAD v4.1: 3 of 1,600,082 alleles (0.00019%); highest among the groups gnomAD compares: Non-Finnish European, 0.00026%; no homozygotes.

Submission:

PreventionGenetics, part of Exact Sciences
Classification: Uncertain significance for PCNT-related condition. Last evaluated: 2024-05-24. Review status: no assertion criteria provided. Collection method: clinical testing. Allele origin: germline.
Comment: The PCNT c.902A>G variant is predicted to result in the amino acid substitution p.His301Arg. To our knowledge, this variant has not been reported in the literature or in a large population database, indicating this variant is rare. At this time, the clinical significance of this variant is uncertain due to the absence of conclusive functional and genetic evidence.